The following is an entry in ClinVar:

ClinVar aggregate classification (germline): Uncertain significance (1 of 4 stars; one submission).

gnomAD v4.1: 19 of 1,613,742 alleles (0.0012%); highest among the groups gnomAD compares: African/African-American, 0.008%; no homozygotes.

Submission:

Labcorp Genetics (formerly Invitae), Labcorp
Classification: Uncertain significance. Last evaluated: 2025-05-02. Review status: criteria provided, single submitter. Criteria: Invitae Variant Classification Sherloc (09022015). Collection method: clinical testing. Allele origin: germline.
Comment: This sequence change replaces serine, which is neutral and polar, with leucine, which is neutral and non-polar, at codon 335 of the SLC10A2 protein (p.Ser335Leu). This variant is present in population databases (rs370357133, gnomAD 0.008%). This variant has not been reported in the literature in individuals affected with SLC10A2-related conditions. ClinVar contains an entry for this variant (Variation ID: 1978006). An algorithm developed to predict the effect of missense changes on protein structure and function outputs the following: PolyPhen-2: "Benign". The leucine amino acid residue is found in multiple mammalian species, which suggests that this missense change does not adversely affect protein function. In summary, the available evidence is currently insufficient to determine the role of this variant in disease. Therefore, it has been classified as a Variant of Uncertain Significance.

NM_000452.3(SLC10A2):c.1004C>T (p.Ser335Leu)

Gene: SLC10A2 (solute carrier family 10 member 2; minus strand). Cytogenetic location: 13q33.1.
Variant type: single nucleotide variant.
Coding change: c.1004C>T on transcript NM_000452.3 (MANE Select); coding-DNA position 1004, C replaced by T.
Protein change: p.Ser335Leu; replaces serine 335 with leucine.
Molecular consequence: missense variant.
Genome position (GRCh38, 1-based): chr13:103,046,176, G>A on the plus strand (C>T on the coding strand, the complement: SLC10A2 is on the minus strand). VCF-style: chr13-103046176-G-A. GRCh37 (hg19) VCF-style: chr13-103698526-G-A.
Other names: short protein forms S335L.
Identifiers: ClinVar variation 1978006 (VCV001978006.5), dbSNP rs370357133, ClinGen allele CA7041956.